The following is an entry in ClinVar:

ClinVar aggregate classification (germline): Uncertain significance (1 of 4 stars; one submission).

Conditions:
Autosomal recessive limb-girdle muscular dystrophy type 2O. Also called: MUSCULAR DYSTROPHY-DYSTROGLYCANOPATHY (LIMB-GIRDLE), TYPE C, 3; MUSCULAR DYSTROPHY-DYSTROGLYCANOPATHY, LIMB-GIRDLE, POMGNT1-RELATED; Limb-Girdle Muscular Dystrophy Type 3C. Identifiers: Orphanet 206564, MedGen C3150417, MONDO:0013161, OMIM 613157.
Muscular dystrophy-dystroglycanopathy (congenital with impaired intellectual development), type B, 3. Also called: MUSCULAR DYSTROPHY, CONGENITAL, POMGNT1-RELATED; Muscular dystrophy-dystroglycanopathy (congenital with intellectual disability), type B3. Identifiers: MedGen C3150412, MONDO:0013155, OMIM 613151.

Submission:

Labcorp Genetics (formerly Invitae), Labcorp
Classification: Uncertain significance for Autosomal recessive limb-girdle muscular dystrophy type 2O; Muscular dystrophy-dystroglycanopathy (congenital with impaired intellectual development), type B, 3. Last evaluated: 2024-03-04. Review status: criteria provided, single submitter. Criteria: Invitae Variant Classification Sherloc (09022015). Collection method: clinical testing. Allele origin: germline.
Comment: This sequence change replaces aspartic acid, which is acidic and polar, with asparagine, which is neutral and polar, at codon 401 of the POMGNT1 protein (p.Asp401Asn). This variant is not present in population databases (gnomAD no frequency). This variant has not been reported in the literature in individuals affected with POMGNT1-related conditions. ClinVar contains an entry for this variant (Variation ID: 860200). Advanced modeling of protein sequence and biophysical properties (such as structural, functional, and spatial information, amino acid conservation, physicochemical variation, residue mobility, and thermodynamic stability) has been performed at Invitae for this missense variant, however the output from this modeling did not meet the statistical confidence thresholds required to predict the impact of this variant on POMGNT1 protein function. In summary, the available evidence is currently insufficient to determine the role of this variant in disease. Therefore, it has been classified as a Variant of Uncertain Significance.

NM_017739.4(POMGNT1):c.1201G>A (p.Asp401Asn)

Genes: POMGNT1 (protein O-linked mannose N-acetylglucosaminyltransferase 1 (beta 1,2-); minus strand), TSPAN1 (tetraspanin 1; plus strand). Cytogenetic location: 1p34.1.
Variant type: single nucleotide variant.
Coding change: c.1201G>A on transcript NM_017739.4 (MANE Select); coding-DNA position 1201, G replaced by A.
Protein change: p.Asp401Asn; replaces aspartic acid 401 with asparagine.
Molecular consequence: missense variant.
Genome position (GRCh38, 1-based): chr1:46,192,910, C>T on the plus strand (G>A on the coding strand, the complement: POMGNT1 is on the minus strand). VCF-style: chr1-46192910-C-T. GRCh37 (hg19) VCF-style: chr1-46658582-C-T.
Other names: c.1201G>A, p.Asp401Asn (NM_001243766.2, NM_001410783.1); c.1135G>A, p.Asp379Asn (NM_001290129.3); c.772G>A, p.Asp258Asn (NM_001290130.2); short protein forms D258N, D379N, D401N.
Identifiers: ClinVar variation 860200 (VCV000860200.10), dbSNP rs1657895778, ClinGen allele CA340178915.